The following is an entry in ClinVar:

ClinVar aggregate classification (germline): Uncertain significance (1 of 4 stars; one submission).

Conditions:
Hereditary cancer-predisposing syndrome. Also called: Tumor predisposition; Neoplastic Syndromes, Hereditary; Hereditary neoplastic syndrome; Hereditary Cancer Syndrome. Identifiers: Orphanet 140162, MedGen C0027672, MeSH D009386, MONDO:0015356.

Submission:

Ambry Genetics
Classification: Uncertain significance for Hereditary cancer-predisposing syndrome. Last evaluated: 2025-07-10. Review status: criteria provided, single submitter. Criteria: Ambry Variant Classification Scheme 2023. Collection method: clinical testing. Allele origin: germline.
Comment: The p.M412T variant (also known as c.1235T>C), located in coding exon 9 of the MITF gene, results from a T to C substitution at nucleotide position 1235. The methionine at codon 412 is replaced by threonine, an amino acid with similar properties. This amino acid position is conserved. In addition, this alteration is predicted to be tolerated by in silico analysis. Based on the available evidence, the clinical significance of this variant remains unclear.

NM_001354604.2(MITF):c.1556T>C (p.Met519Thr)

Gene: MITF (melanocyte inducing transcription factor; plus strand). Cytogenetic location: 3p13.
Variant type: single nucleotide variant.
Coding change: c.1556T>C on transcript NM_001354604.2 (MANE Select); coding-DNA position 1556, T replaced by C.
Protein change: p.Met519Thr; replaces methionine 519 with threonine.
Molecular consequence: missense variant.
Genome position (GRCh38, 1-based): chr3:69,965,223, T>C. VCF-style: chr3-69965223-T-C. GRCh37 (hg19) VCF-style: chr3-70014374-T-C.
Other names: c.1235T>C, p.Met412Thr (NM_000248.4); c.1382T>C, p.Met461Thr (NM_001184967.2, NM_001354608.2); c.1553T>C, p.Met518Thr (NM_001354605.2); c.1535T>C, p.Met512Thr (NM_001354606.2, NM_006722.3); c.1487T>C, p.Met496Thr (NM_001354607.2); c.1217T>C, p.Met406Thr (NM_198158.3); c.1538T>C, p.Met513Thr (NM_198159.3); c.1490T>C, p.Met497Thr (NM_198177.3); and 1 more; short protein forms M406T, M350T, M496T, M497T, M518T, M519T, M461T, M512T.
Identifiers: ClinVar variation 4108283 (VCV004108283.1).